The following is an entry in ClinVar:

ClinVar aggregate classification (germline): Conflicting classifications of pathogenicity. Review status: criteria provided, conflicting classifications (1 of 4 stars). 10 submissions from 10 submitters: Uncertain significance (7); Likely benign (2). 1 of the submissions does not count toward it. Last evaluated 2026-01-25.

Conditions:
Hereditary cancer-predisposing syndrome. Also called: Tumor predisposition; Hereditary neoplastic syndrome; Neoplastic Syndromes, Hereditary; Hereditary Cancer Syndrome. Identifiers: Orphanet 140162, MedGen C0027672, MeSH D009386, MONDO:0015356.
Ataxia-telangiectasia syndrome (AT). Also called: LOUIS-BAR SYNDROME; Ataxia-telangiectasia; Ataxia telangiectasia (A-T); Cerebello-oculocutaneous telangiectasia; Immunodeficiency with ataxia telangiectasia; Ataxia-telangiectasia, complementation group D. Identifiers: Orphanet 100, MedGen C0004135, MONDO:0008840, OMIM 208900.

Allele frequency attached by ClinVar (database versions not stated): ExAC 0.00001; gnomAD 0.00001 and 0.00002; gnomAD exomes 0.00001; TOPMed 0.00003.
gnomAD v4.1: 14 of 1,613,972 alleles (0.00087%); highest among the groups gnomAD compares: Non-Finnish European, 0.0011%; no homozygotes.

Submissions (10):

Labcorp Genetics (formerly Invitae), Labcorp
Classification: Uncertain significance for Ataxia-telangiectasia syndrome. Last evaluated: 2026-01-25. Review status: criteria provided, single submitter. Criteria: Invitae Variant Classification Sherloc (09022015). Collection method: clinical testing. Allele origin: germline.
Comment: This sequence change replaces asparagine, which is neutral and polar, with serine, which is neutral and polar, at codon 778 of the ATM protein (p.Asn778Ser). This variant is present in population databases (rs587779820, gnomAD 0.002%). This missense change has been observed in individual(s) with breast cancer, ovarian cancer, and/or pancreatic cancer (PMID: 20305132, 25186627, 25479140, 26689913). ClinVar contains an entry for this variant (Variation ID: 127348). Invitae Evidence Modeling of protein sequence and biophysical properties (such as structural, functional, and spatial information, amino acid conservation, physicochemical variation, residue mobility, and thermodynamic stability) indicates that this missense variant is not expected to disrupt ATM protein function with a negative predictive value of 95%. In summary, the available evidence is currently insufficient to determine the role of this variant in disease. Therefore, it has been classified as a Variant of Uncertain Significance.

Women's Health and Genetics/Laboratory Corporation of America, LabCorp
Classification: Uncertain significance. Last evaluated: 2025-11-24. Review status: criteria provided, single submitter. Criteria: LabCorp Variant Classification Summary - May 2015. Collection method: clinical testing. Allele origin: germline.
Comment: Variant summary: ATM c.2333A>G (p.Asn778Ser) results in a conservative amino acid change in the encoded protein sequence. Algorithms developed to predict the effect of missense changes on protein structure and function all suggest that this variant is likely to be tolerated. The variant allele was found at a frequency of 1.2e-05 in 251371 control chromosomes (gnomAD). The available data on variant occurrences in the general population are insufficient to allow any conclusion about variant significance. c.2333A>G has been observed in individual(s) affected with breast, ovarian, or pancreatic cancer without strong evidence for causality (Bernstein_2010, Grant_2015, Tung_2015). These reports do not provide unequivocal conclusions about association of the variant with Breast Cancer. To our knowledge, no experimental evidence demonstrating an impact on protein function has been reported. The following publications have been ascertained in the context of this evaluation (PMID: 20305132, 25479140, 25186627). ClinVar contains an entry for this variant (Variation ID: 127348). Based on the evidence outlined above, the variant was classified as uncertain significance.

Quest Diagnostics Nichols Institute San Juan Capistrano
Classification: Uncertain significance. Last evaluated: 2025-08-15. Review status: criteria provided, single submitter. Criteria: Quest Diagnostics criteria. Collection method: clinical testing. Allele origin: unknown.

Ambry Genetics
Classification: Likely benign for Hereditary cancer-predisposing syndrome. Last evaluated: 2025-04-03. Review status: criteria provided, single submitter. Criteria: Ambry Variant Classification Scheme 2023. Collection method: clinical testing. Allele origin: germline.

GeneDx
Classification: Uncertain significance. Last evaluated: 2025-02-20. Review status: criteria provided, single submitter. Criteria: GeneDx Variant Classification Process June 2021. Collection method: clinical testing. Allele origin: germline. Affected: yes.
Comment: Observed in individuals with breast, ovarian, pancreatic, or other cancers (PMID: 20305132, 25479140, 26689913, 25186627, 34262154); Not observed at significant frequency in large population cohorts (gnomAD); In silico analysis indicates that this missense variant does not alter protein structure/function; This variant is associated with the following publications: (PMID: 25479140, 26689913, 20305132, 25186627, 34262154)

CeGaT Center for Human Genetics Tuebingen
Classification: Likely benign. Last evaluated: 2024-04-01. Review status: criteria provided, single submitter. Criteria: CeGaT Center For Human Genetics Tuebingen Variant Classification Criteria Version 2. Collection method: clinical testing. Allele origin: germline. Affected: yes. Observed: 2 variant alleles.
Comment: ATM: BP1, BP4

Color Diagnostics, LLC DBA Color Health
Classification: Uncertain significance for Hereditary cancer-predisposing syndrome. Last evaluated: 2023-02-17. Review status: criteria provided, single submitter. Criteria: ACMG Guidelines, 2015. Collection method: clinical testing. Allele origin: germline.
Comment: This missense variant replaces asparagine with serine at codon 778 of the ATM protein. Computational prediction suggests that this variant may not impact protein structure and function (internally defined REVEL score threshold <= 0.5, PMID: 27666373). To our knowledge, functional studies have not been reported for this variant. This variant has been observed in individuals affected with breast, pancreatic and ovarian cancers (PMID: 20305132, 25186627, 25479140, 26689913, 29522266). This variant has been identified in 3/251370 chromosomes in the general population by the Genome Aggregation Database (gnomAD). The available evidence is insufficient to determine the role of this variant in disease conclusively. Therefore, this variant is classified as a Variant of Uncertain Significance.

Athena Diagnostics
Classification: Uncertain significance. Last evaluated: 2022-06-24. Review status: criteria provided, single submitter. Criteria: Athena Diagnostics Criteria. Collection method: clinical testing. Allele origin: unknown.

Illumina Laboratory Services, Illumina
Classification: Uncertain significance for Ataxia-telangiectasia syndrome. Last evaluated: 2018-01-12. Review status: criteria provided, single submitter. Criteria: ICSL Variant Classification Criteria 13 December 2019. Collection method: clinical testing. Allele origin: germline.

Natera, Inc.
Classification: Uncertain significance for Ataxia-telangiectasia. Last evaluated: 2020-07-05. Review status: no assertion criteria provided. Collection method: clinical testing. Allele origin: germline. Not counted in ClinVar's aggregate classification.

Literature cited by the submitters: PubMed 20305132 (cited by 5 submitters); PubMed 25186627 (cited by 5 submitters); PubMed 25479140 (cited by 5 submitters); PubMed 26689913 (cited by 3 submitters); PubMed 29522266 (cited by 3 submitters); PubMed 30311369 (cited by Athena Diagnostics).

NM_000051.4(ATM):c.2333A>G (p.Asn778Ser)

Gene: ATM (ATM serine/threonine kinase; plus strand). Cytogenetic location: 11q22.3.
Variant type: single nucleotide variant.
Coding change: c.2333A>G on transcript NM_000051.4 (MANE Select); coding-DNA position 2333, A replaced by G.
Protein change: p.Asn778Ser; replaces asparagine 778 with serine.
Molecular consequence: missense variant.
Genome position (GRCh38, 1-based): chr11:108,257,563, A>G. VCF-style: chr11-108257563-A-G. GRCh37 (hg19) VCF-style: chr11-108128290-A-G.
Other names: p.N778S:AAT>AGT; c.2333A>G, p.Asn778Ser (NM_001351834.2); short protein forms N778S.
Identifiers: ClinVar variation 127348 (VCV000127348.60), dbSNP rs587779820, ClinGen allele CA286753.